The following is an entry in ClinVar:

NM_005026.5(PIK3CD):c.1639_1642delinsTCCG (p.Ala547_Arg548delinsSerGly)

Gene: PIK3CD (phosphatidylinositol-4,5-bisphosphate 3-kinase catalytic subunit delta; plus strand). Cytogenetic location: 1p36.22.
Variant type: Indel.
Coding change: c.1639_1642delinsTCCG on transcript NM_005026.5 (MANE Select); coding-DNA positions 1639 to 1642, GCCC replaced by TCCG.
Protein change: p.Ala547_Arg548delinsSerGly.
Molecular consequence: missense variant.
Genome position (GRCh38, 1-based): chr1:9,720,859-9,720,862, GCCC replaced by TCCG. VCF-style: chr1-9720859-GCCC-TCCG. GRCh37 (hg19) VCF-style: chr1-9780917-GCCC-TCCG.
Other names: c.1636_1639delinsTCCG, p.Ala546_Arg547delinsSerGly (NM_001350234.2, NM_001439206.1); c.1552_1555delinsTCCG, p.Ala518_Arg519delinsSerGly (NM_001350235.1); c.1639_1642delinsTCCG, p.Ala547_Arg548delinsSerGly (NM_001437546.1, NM_001437547.1, NM_001438338.1).
Identifiers: ClinVar variation 4077154 (VCV004077154.1).

ClinVar aggregate classification (germline): Likely benign (0 of 4 stars; one submission).

Conditions:
Activated PI3K-delta syndrome. Identifiers: Orphanet 397596, MedGen C3714976, MONDO:0018338.

Submission:

Rarefied Biosciences Lab
Classification: Likely benign for Activated PI3K-delta syndrome. Review status: no assertion criteria provided. Collection method: research. Allele origin: germline. Affected: yes.
Comment: The PIK3CD c.1639G>T;1642C>G (p.Ala547_Arg548delinsSerGly) variant results in an in-frame amino acid change replacing Ala547 and Arg548 with Ser and Gly, respectively. This in-cis multi-nucleotide event is extremely rare; it is absent from population variant databases such as gnomAD, with no reported allele frequency, suggesting it is a private or ultra-rare variant. Immunophenotyping revealed transitional B cells at 9.0% and T follicular helper (TFH) cells at 7.7%, both within normal ranges, and there was no evidence of mTOR pathway activation, indicating preserved PI3K signaling. While this variant does not appear in public literature, computational predictors support a benign impact — an AlphaMissense score suggests benign effect (Benign Strong range). In combination, the absence of population data, benign computational predictions, normal immune profiling, and lack of mTOR hyperactivation support classification of PIK3CD c.1639G>T;1642C>G (p.Ala547_Arg548delinsSerGly) as Likely Benign

Literature cited by the submitters: PubMed 31031754.